The following is an entry in ClinVar:

ClinVar aggregate classification (germline): Conflicting classifications of pathogenicity. Review status: criteria provided, conflicting classifications (1 of 4 stars). 9 submissions from 8 submitters: Uncertain significance (1); Benign (4); Likely benign (3). 1 of the submissions does not count toward it. Last evaluated 2026-01-21.

Conditions:
Brain small vessel disease 1 with or without ocular anomalies (BSVD1). Also called: PORENCEPHALY, TYPE 1, AUTOSOMAL DOMINANT; BRAIN SMALL VESSEL DISEASE WITH HEMORRHAGE; GOULD SYNDROME 1; Brain small vessel disease with or without ocular anomalies. Identifiers: Orphanet 2940, Orphanet 36383, Orphanet 99810, MedGen C4755307, MONDO:0008289, OMIM 175780.
COL4A1-related disorder. Also called: COL4A1-related condition; COL4A1-related disorders. Identifiers: MedGen CN376119, MONDO:0800461.
Autosomal dominant familial hematuria-retinal arteriolar tortuosity-contractures syndrome. Also called: Hereditary Angiopathy with Nephropathy, Aneurysms, and Muscle Cramps (HANAC) Syndrome; Angiopathy, hereditary, with nephropathy, aneurysms, and muscle cramps. Identifiers: Orphanet 73229, MedGen C2673195, MONDO:0012726, OMIM 611773.

Allele frequency attached by ClinVar (database versions not stated): TOPMed 0.00035; ExAC 0.00043; ESP Exome Variant Server 0.00092.
gnomAD v4.1: 485 of 1,613,950 alleles (0.03%); highest among the groups gnomAD compares: Admixed American, 0.025%; 2 homozygotes.

Submissions (9):

Labcorp Genetics (formerly Invitae), Labcorp
Classification: Benign. Last evaluated: 2026-01-21. Review status: criteria provided, single submitter. Criteria: Invitae Variant Classification Sherloc (09022015). Collection method: clinical testing. Allele origin: germline.

CeGaT Center for Human Genetics Tuebingen
Classification: Likely benign. Last evaluated: 2026-01-01. Review status: criteria provided, single submitter. Criteria: CeGaT Center For Human Genetics Tuebingen Variant Classification Criteria Version 2. Collection method: clinical testing. Allele origin: germline. Affected: yes. Observed: 6 variant alleles.
Comment: COL4A1: BS2

Blueprint Genetics
Classification: Likely benign. Last evaluated: 2024-09-13. Review status: criteria provided, single submitter. Criteria: ACMG Guidelines, 2015. Collection method: clinical testing. Allele origin: germline.

GeneDx
Classification: Likely benign. Last evaluated: 2021-05-14. Review status: criteria provided, single submitter. Criteria: GeneDx Variant Classification Process June 2021. Collection method: clinical testing. Allele origin: germline. Affected: yes.
Comment: Has not been previously published as pathogenic or benign to our knowledge; In silico analysis supports that this missense variant has a deleterious effect on protein structure/function

New York Genome Center
Classification: Uncertain significance for Brain small vessel disease 1 with or without ocular anomalies. Last evaluated: 2020-06-05. Review status: criteria provided, single submitter. Criteria: NYGC Assertion Criteria 2020. Collection method: clinical testing. Allele origin: germline. Observed: 1 heterozygote. Study: CSER-NYCKidSeq.

Athena Diagnostics
Classification: Benign. Last evaluated: 2019-01-30. Review status: criteria provided, single submitter. Criteria: Athena Diagnostics Criteria. Collection method: clinical testing. Allele origin: germline.

Illumina Laboratory Services, Illumina
Classification: Benign for Autosomal dominant familial hematuria-retinal arteriolar tortuosity-contractures syndrome. Last evaluated: 2018-01-12. Review status: criteria provided, single submitter. Criteria: ICSL Variant Classification Criteria 13 December 2019. Collection method: clinical testing. Allele origin: germline.
Comment: This variant was observed in the ICSL laboratory as part of a predisposition screen in an ostensibly healthy population. It had not been previously curated by ICSL or reported in the Human Gene Mutation Database (HGMD: prior to June 1st, 2018), and was therefore a candidate for classification through an automated scoring system. Utilizing variant allele frequency, disease prevalence and penetrance estimates, and inheritance mode, an automated score was calculated to assess if this variant is too frequent to cause the disease. Based on the score and internal cut-off values, a variant classified as benign is not then subjected to further curation. The score for this variant resulted in a classification of benign for this disease.

Illumina Laboratory Services, Illumina
Classification: Benign for Brain small vessel disease 1 with or without ocular anomalies. Last evaluated: 2018-01-12. Review status: criteria provided, single submitter. Criteria: ICSL Variant Classification Criteria 13 December 2019. Collection method: clinical testing. Allele origin: germline.
Comment: the same text as in the submission from Illumina Laboratory Services, Illumina above.

PreventionGenetics, part of Exact Sciences
Classification: Benign for COL4A1-related condition. Last evaluated: 2019-05-07. Review status: no assertion criteria provided. Collection method: clinical testing. Allele origin: germline. Not counted in ClinVar's aggregate classification.
Comment: This variant is classified as benign based on ACMG/AMP sequence variant interpretation guidelines (Richards et al. 2015 PMID: 25741868, with internal and published modifications).

NM_001845.6(COL4A1):c.2705C>G (p.Pro902Arg)

Gene: COL4A1 (collagen type IV alpha 1 chain; minus strand). Cytogenetic location: 13q34.
Variant type: single nucleotide variant.
Coding change: c.2705C>G on transcript NM_001845.6 (MANE Select); coding-DNA position 2705, C replaced by G.
Protein change: p.Pro902Arg; replaces proline 902 with arginine.
Molecular consequence: missense variant.
Genome position (GRCh38, 1-based): chr13:110,177,853, G>C on the plus strand (C>G on the coding strand, the complement: COL4A1 is on the minus strand). VCF-style: chr13-110177853-G-C. GRCh37 (hg19) VCF-style: chr13-110830200-G-C.
Other names: short protein forms P902R.
Identifiers: ClinVar variation 800231 (VCV000800231.58), dbSNP rs146134172, ClinGen allele CA7047512.